The following is an entry in ClinVar:

ClinVar aggregate classification (germline): Benign/Likely benign. Review status: criteria provided, multiple submitters, no conflicts (2 of 4 stars). 6 submissions from 6 submitters: Benign (3); Likely benign (3). Last evaluated 2026-08-01.

Conditions:
Inborn genetic diseases. Identifiers: MedGen C0950123, MeSH D030342.
Seizures, benign familial infantile, 3 (BFIS3). Also called: CONVULSIONS, BENIGN FAMILIAL INFANTILE, 3; Familial neonatal seizures. Identifiers: Orphanet 140927, Orphanet 306, MedGen C1843140, MONDO:0011904, OMIM 607745.
Developmental and epileptic encephalopathy, 11 (DEE11). Also called: Early infantile epileptic encephalopathy 11. Identifiers: Orphanet 1934, MedGen C3150987, MONDO:0013388, OMIM 613721.

Allele frequency attached by ClinVar (database versions not stated): ExAC 0.00009; gnomAD exomes 0.00009 and 0.00012; 1000 Genomes Project 30x 0.00016; gnomAD 0.00016 and 0.00017; 1000 Genomes Project 0.00020; TOPMed 0.00022; ESP Exome Variant Server 0.00023.
gnomAD v4.1: 203 of 1,614,086 alleles (0.013%); highest among the groups gnomAD compares: Admixed American, 0.033%; no homozygotes.

Submissions (6):

CeGaT Center for Human Genetics Tuebingen
Classification: Likely benign. Last evaluated: 2026-08-01. Review status: criteria provided, single submitter. Criteria: CeGaT Center For Human Genetics Tuebingen Variant Classification Criteria Version 2. Collection method: clinical testing. Allele origin: germline. Affected: yes. Observed: 5 variant alleles.
Comment: SCN2A: BP4, BP7

Labcorp Genetics (formerly Invitae), Labcorp
Classification: Likely benign for Seizures, benign familial infantile, 3; Developmental and epileptic encephalopathy, 11. Last evaluated: 2026-02-03. Review status: criteria provided, single submitter. Criteria: Invitae Variant Classification Sherloc (09022015). Collection method: clinical testing. Allele origin: germline.

Blueprint Genetics
Classification: Benign. Last evaluated: 2024-11-22. Review status: criteria provided, single submitter. Criteria: ACMG Guidelines, 2015. Collection method: clinical testing. Allele origin: germline.

Illumina Laboratory Services, Illumina
Classification: Benign for Seizures, benign familial infantile, 3. Last evaluated: 2018-01-13. Review status: criteria provided, single submitter. Criteria: ICSL Variant Classification Criteria 13 December 2019. Collection method: clinical testing. Allele origin: germline.
Comment: This variant was observed in the ICSL laboratory as part of a predisposition screen in an ostensibly healthy population. It had not been previously curated by ICSL or reported in the Human Gene Mutation Database (HGMD: prior to June 1st, 2018), and was therefore a candidate for classification through an automated scoring system. Utilizing variant allele frequency, disease prevalence and penetrance estimates, and inheritance mode, an automated score was calculated to assess if this variant is too frequent to cause the disease. Based on the score and internal cut-off values, a variant classified as benign is not then subjected to further curation. The score for this variant resulted in a classification of benign for this disease.

Ambry Genetics
Classification: Likely benign for Inborn genetic diseases. Last evaluated: 2016-09-22. Review status: criteria provided, single submitter. Criteria: Ambry Variant Classification Scheme 2023. Collection method: clinical testing. Allele origin: germline.

GeneDx
Classification: Benign. Last evaluated: 2015-06-25. Review status: criteria provided, single submitter. Criteria: GeneDx Variant Classification (06012015). Collection method: clinical testing. Allele origin: germline. Affected: yes.
Comment: This variant is considered likely benign or benign based on one or more of the following criteria: it is a conservative change, it occurs at a poorly conserved position in the protein, it is predicted to be benign by multiple in silico algorithms, and/or has population frequency not consistent with disease.

NM_001040142.2(SCN2A):c.5517C>T (p.Leu1839=)

Gene: SCN2A (sodium voltage-gated channel alpha subunit 2; plus strand). Cytogenetic location: 2q24.3.
Variant type: single nucleotide variant.
Coding change: c.5517C>T on transcript NM_001040142.2 (MANE Select); coding-DNA position 5517, C replaced by T.
Protein change: p.Leu1839=; no amino-acid change (leucine 1839 retained).
Molecular consequence: synonymous variant.
Genome position (GRCh38, 1-based): chr2:165,389,323, C>T. VCF-style: chr2-165389323-C-T. GRCh37 (hg19) VCF-style: chr2-166245833-C-T.
Other names: c.5517C>T, p.Leu1839= (NM_001040143.2, NM_001371246.1, NM_001371247.1 and 1 more transcripts).
Identifiers: ClinVar variation 331739 (VCV000331739.60), dbSNP rs148424455, ClinGen allele CA1940397.